The following is an entry in ClinVar:

ClinVar aggregate classification (germline): Conflicting classifications of pathogenicity. Review status: criteria provided, conflicting classifications (1 of 4 stars). 2 submissions from 2 submitters: Uncertain significance (1); Likely benign (1). Last evaluated 2025-04-12.

Conditions:
SHORT syndrome. Also called: SHORT STATURE, HYPEREXTENSIBILITY, HERNIA, OCULAR DEPRESSION, RIEGER ANOMALY, AND TEETHING DELAY; PIK3R1-Related SHORT Syndrome; LIPODYSTROPHY, PARTIAL, WITH RIEGER ANOMALY AND SHORT STATURE. Identifiers: Orphanet 3163, MedGen C0878684, MONDO:0010026, OMIM 269880.
Agammaglobulinemia 7, autosomal recessive (AGM7). Also called: AGAMMAGLOBULINEMIA, AUTOSOMAL RECESSIVE, DUE TO PIK3R1 DEFECT. Identifiers: MedGen C3554689, MONDO:0014083, OMIM 615214.
Immunodeficiency 36 with lymphoproliferation. Also called: ACTIVATED PI3K-DELTA SYNDROME 2; Immunodeficiency 36; Activated PI3K Delta Syndrome Type 2 (APDS2). Identifiers: Orphanet 397596, Orphanet 693681, MedGen C4014934, MONDO:0014453, OMIM 616005.
Inborn genetic diseases. Identifiers: MedGen C0950123, MeSH D030342.

Allele frequency attached by ClinVar (database versions not stated): gnomAD exomes below 0.00001; gnomAD 0.00001; TOPMed 0.00001.
gnomAD v4.1: 5 of 1,612,594 alleles (0.00031%); highest among the groups gnomAD compares: African/African-American, 0.0013%; no homozygotes.

Submissions (2):

Ambry Genetics
Classification: Likely benign for Inborn genetic diseases. Last evaluated: 2025-04-12. Review status: criteria provided, single submitter. Criteria: Ambry Variant Classification Scheme 2023. Collection method: clinical testing. Allele origin: germline.

Labcorp Genetics (formerly Invitae), Labcorp
Classification: Uncertain significance for SHORT syndrome; Immunodeficiency 36 with lymphoproliferation; Agammaglobulinemia 7, autosomal recessive. Last evaluated: 2024-10-05. Review status: criteria provided, single submitter. Criteria: Invitae Variant Classification Sherloc (09022015). Collection method: clinical testing. Allele origin: germline.
Comment: This sequence change replaces threonine, which is neutral and polar, with alanine, which is neutral and non-polar, at codon 169 of the PIK3R1 protein (p.Thr169Ala). This variant is not present in population databases (gnomAD no frequency). This variant has not been reported in the literature in individuals affected with PIK3R1-related conditions. ClinVar contains an entry for this variant (Variation ID: 2080612). An algorithm developed to predict the effect of missense changes on protein structure and function outputs the following: PolyPhen-2: "Benign". The alanine amino acid residue is found in multiple mammalian species, which suggests that this missense change does not adversely affect protein function. In summary, the available evidence is currently insufficient to determine the role of this variant in disease. Therefore, it has been classified as a Variant of Uncertain Significance.

NM_181523.3(PIK3R1):c.505A>G (p.Thr169Ala)

Gene: PIK3R1 (phosphoinositide-3-kinase regulatory subunit 1; plus strand). Cytogenetic location: 5q13.1.
Variant type: single nucleotide variant.
Coding change: c.505A>G on transcript NM_181523.3 (MANE Select); coding-DNA position 505, A replaced by G.
Protein change: p.Thr169Ala; replaces threonine 169 with alanine.
Molecular consequence: missense variant.
Genome position (GRCh38, 1-based): chr5:68,279,604, A>G. VCF-style: chr5-68279604-A-G. GRCh37 (hg19) VCF-style: chr5-67575432-A-G.
Other names: c.505A>G (NM_181523.2); short protein forms T169A.
Identifiers: ClinVar variation 2080612 (VCV002080612.5), dbSNP rs1261761196, ClinGen allele CA359873696.
Genomic context (GRCh38, chr5:68,279,604, plus strand): 5'-CCCAACTGATGTATTCTATAAAATAAATGTCTGAAATATTTCTTAAATTGTTTCCTAGAT[A>G]CACCCTCCGTGGACTTGGAAATGATCGATGTGCACGTTTTGGCTGACGCTTTCAAACGCT-3'
Protein context (NP_852664.1, residues 159-179): AELRQLLDCD[Thr169Ala]PSVDLEMIDV